The following is an entry in ClinVar:

NM_198129.4(LAMA3):c.9574A>T (p.Thr3192Ser)

Gene: LAMA3 (laminin subunit alpha 3; plus strand). Cytogenetic location: 18q11.2.
Variant type: single nucleotide variant.
Coding change: c.9574A>T on transcript NM_198129.4 (MANE Select); coding-DNA position 9574, A replaced by T.
Protein change: p.Thr3192Ser; replaces threonine 3192 with serine.
Molecular consequence: missense variant.
Genome position (GRCh38, 1-based): chr18:23,950,091, A>T. VCF-style: chr18-23950091-A-T. GRCh37 (hg19) VCF-style: chr18-21530055-A-T.
Other names: c.4747A>T (NM_000227.3); c.4747A>T, p.Thr1583Ser (NM_000227.6); c.9406A>T, p.Thr3136Ser (NM_001127717.4); c.4579A>T, p.Thr1527Ser (NM_001127718.4); short protein forms T3136S, T3192S, T1583S, T1527S.
Identifiers: ClinVar variation 768931 (VCV000768931.15), dbSNP rs115991457, ClinGen allele CA8917230.

ClinVar aggregate classification (germline): Conflicting classifications of pathogenicity. Review status: criteria provided, conflicting classifications (1 of 4 stars). 3 submissions from 3 submitters: Uncertain significance (1); Likely benign (1). 1 of the submissions does not count toward it. Last evaluated 2026-02-26.

Conditions:
LAMA3-related disorder. Also called: LAMA3-related disorders; LAMA3-related condition.
Inborn genetic diseases. Identifiers: MedGen C0950123, MeSH D030342.

Allele frequency attached by ClinVar (database versions not stated): gnomAD exomes 0.00022 and 0.00047; ExAC 0.00054; ESP Exome Variant Server 0.00123; gnomAD 0.00219 and 0.00234; TOPMed 0.00245; 1000 Genomes Project 0.00260; 1000 Genomes Project 30x 0.00281.
gnomAD v4.1: 665 of 1,614,090 alleles (0.041%); highest among the groups gnomAD compares: African/African-American, 0.81%; 2 homozygotes.

Submissions (3):

Ambry Genetics
Classification: Uncertain significance for Inborn genetic diseases. Last evaluated: 2026-02-26. Review status: criteria provided, single submitter. Criteria: Ambry Variant Classification Scheme 2023. Collection method: clinical testing. Allele origin: germline.

Labcorp Genetics (formerly Invitae), Labcorp
Classification: Likely benign. Last evaluated: 2026-01-26. Review status: criteria provided, single submitter. Criteria: Invitae Variant Classification Sherloc (09022015). Collection method: clinical testing. Allele origin: germline.

PreventionGenetics, part of Exact Sciences
Classification: Likely benign for LAMA3-related condition. Last evaluated: 2024-05-04. Review status: no assertion criteria provided. Collection method: clinical testing. Allele origin: germline. Not counted in ClinVar's aggregate classification.
Comment: This variant is classified as likely benign based on ACMG/AMP sequence variant interpretation guidelines (Richards et al. 2015 PMID: 25741868, with internal and published modifications).